The following is an entry in ClinVar:

ClinVar aggregate classification (germline): Likely pathogenic. Review status: criteria provided, multiple submitters, no conflicts (2 of 4 stars). 2 submissions from 2 submitters: Likely pathogenic (2). Last evaluated 2022-01-24.

Conditions:
Familial thoracic aortic aneurysm and aortic dissection (TAAD). Also called: Thoracic aortic aneurysms and dissections. Identifiers: Orphanet 91387, MedGen C4707243, MONDO:0019625.
Aneurysm-osteoarthritis syndrome. Also called: ANEURYSMS-OSTEOARTHRITIS SYNDROME; SMAD3-Related Loeys-Dietz Syndrome; Loeys-Dietz syndrome, type 1C; LOEYS-DIETZ SYNDROME WITH OSTEOARTHRITIS. Identifiers: Orphanet 284984, MedGen C3151087, MONDO:0013426, OMIM 613795.

Submissions (2):

Labcorp Genetics (formerly Invitae), Labcorp
Classification: Likely pathogenic for Familial thoracic aortic aneurysm and aortic dissection. Last evaluated: 2022-01-24. Review status: criteria provided, single submitter. Criteria: Invitae Variant Classification Sherloc (09022015). Collection method: clinical testing. Allele origin: germline.
Comment: In summary, the currently available evidence indicates that the variant is pathogenic, but additional data are needed to prove that conclusively. Therefore, this variant has been classified as Likely Pathogenic. Advanced modeling of protein sequence and biophysical properties (such as structural, functional, and spatial information, amino acid conservation, physicochemical variation, residue mobility, and thermodynamic stability) performed at Invitae indicates that this missense variant is expected to disrupt SMAD3 protein function. ClinVar contains an entry for this variant (Variation ID: 694385). This missense change has been observed in individuals with SMAD3-related conditions (PMID: 32154675; Invitae). This variant is not present in population databases (gnomAD no frequency). This sequence change replaces valine, which is neutral and non-polar, with phenylalanine, which is neutral and non-polar, at codon 331 of the SMAD3 protein (p.Val331Phe).

Genetics Department, University Hospital of Toulouse
Classification: Likely pathogenic for Loeys-Dietz syndrome 3. Last evaluated: 2019-07-19. Review status: criteria provided, single submitter. Criteria: ACMG Guidelines, 2015. Collection method: clinical testing. Allele origin: germline. Affected: yes. Observed: 1 variant allele.

Literature cited by the submitters: PubMed 32154675 (cited by Labcorp Genetics (formerly Invitae), Labcorp).

NM_005902.4(SMAD3):c.991G>T (p.Val331Phe)

Gene: SMAD3 (SMAD family member 3; plus strand). Cytogenetic location: 15q22.33.
Variant type: single nucleotide variant.
Coding change: c.991G>T on transcript NM_005902.4 (MANE Select); coding-DNA position 991, G replaced by T.
Protein change: p.Val331Phe; replaces valine 331 with phenylalanine.
Molecular consequence: missense variant.
Genome position (GRCh38, 1-based): chr15:67,184,846, G>T. VCF-style: chr15-67184846-G-T. GRCh37 (hg19) VCF-style: chr15-67477184-G-T.
Other names: c.676G>T, p.Val226Phe (NM_001145102.2); c.859G>T, p.Val287Phe (NM_001145103.2); c.406G>T, p.Val136Phe (NM_001145104.2); short protein forms V136F, V226F, V287F, V331F.
Identifiers: ClinVar variation 694385 (VCV000694385.7), dbSNP rs1320208623, ClinGen allele CA392957297.